The following is an entry in ClinVar:

ClinVar aggregate classification (germline): Uncertain significance (1 of 4 stars; one submission).

Conditions:
ALG9 congenital disorder of glycosylation (CDG1L). Also called: CONGENITAL DISORDER OF GLYCOSYLATION, TYPE Il; ALG9-CDG; CDG Il. Identifiers: Orphanet 79328, MedGen C2931006, MONDO:0012117, OMIM 608776.

Submission:

Labcorp Genetics (formerly Invitae), Labcorp
Classification: Uncertain significance for ALG9 congenital disorder of glycosylation. Last evaluated: 2022-08-05. Review status: criteria provided, single submitter. Criteria: Invitae Variant Classification Sherloc (09022015). Collection method: clinical testing. Allele origin: germline.
Comment: This sequence change replaces leucine, which is neutral and non-polar, with serine, which is neutral and polar, at codon 672 of the ATP6V0A2 protein (p.Leu672Ser). In summary, the available evidence is currently insufficient to determine the role of this variant in disease. Therefore, it has been classified as a Variant of Uncertain Significance. Algorithms developed to predict the effect of missense changes on protein structure and function are either unavailable or do not agree on the potential impact of this missense change (SIFT: "Tolerated"; PolyPhen-2: "Possibly Damaging"; Align-GVGD: "Class C15"). This variant has not been reported in the literature in individuals affected with ATP6V0A2-related conditions. This variant is not present in population databases (gnomAD no frequency).

NM_012463.4(ATP6V0A2):c.2015T>C (p.Leu672Ser)

Gene: ATP6V0A2 (ATPase H+ transporting V0 subunit a2; plus strand). Cytogenetic location: 12q24.31.
Variant type: single nucleotide variant.
Coding change: c.2015T>C on transcript NM_012463.4 (MANE Select); coding-DNA position 2015, T replaced by C.
Protein change: p.Leu672Ser; replaces leucine 672 with serine.
Molecular consequence: missense variant.
Genome position (GRCh38, 1-based): chr12:123,751,189, T>C. VCF-style: chr12-123751189-T-C. GRCh37 (hg19) VCF-style: chr12-124235736-T-C.
Other names: short protein forms L672S.
Identifiers: ClinVar variation 1715107 (VCV001715107.5), dbSNP rs2541871623, ClinGen allele CA387163035.